The following is an entry in ClinVar:

NM_181705.4(LYRM7):c.42G>A (p.Leu14=)

Gene: LYRM7 (LYR motif containing 7; plus strand). Cytogenetic location: 5q23.3.
Variant type: single nucleotide variant.
Coding change: c.42G>A on transcript NM_181705.4 (MANE Select); coding-DNA position 42, G replaced by A.
Protein change: p.Leu14=; no amino-acid change (leucine 14 retained).
Molecular consequence: synonymous variant. On other transcripts: non-coding transcript variant (1).
Genome position (GRCh38, 1-based): chr5:131,180,118, G>A. VCF-style: chr5-131180118-G-A. GRCh37 (hg19) VCF-style: chr5-130515811-G-A.
Other names: c.42G>A, p.Leu14= (NM_001293735.2).
Identifiers: ClinVar variation 380079 (VCV000380079.13), dbSNP rs113642581, ClinGen allele CA3398722.

ClinVar aggregate classification (germline): Benign. Review status: criteria provided, multiple submitters, no conflicts (2 of 4 stars). 3 submissions from 3 submitters: Benign (2). 1 of the submissions does not count toward it. Last evaluated 2026-01-28.

Allele frequency attached by ClinVar (database versions not stated): 1000 Genomes Project 0.01438; 1000 Genomes Project 30x 0.01562; TOPMed 0.02577; gnomAD 0.03148 and 0.03207; ESP Exome Variant Server 0.03152; ExAC 0.03369; gnomAD exomes 0.03377 and 0.03934.
gnomAD v4.1: 61,775 of 1,611,338 alleles (3.8%); highest among the groups gnomAD compares: Non-Finnish European, 4.3%; 1,436 homozygotes.

Submissions (3):

Labcorp Genetics (formerly Invitae), Labcorp
Classification: Benign. Last evaluated: 2026-01-28. Review status: criteria provided, single submitter. Criteria: Invitae Variant Classification Sherloc (09022015). Collection method: clinical testing. Allele origin: germline.

GeneDx
Classification: Benign. Last evaluated: 2016-02-04. Review status: criteria provided, single submitter. Criteria: GeneDx Variant Classification (06012015). Collection method: clinical testing. Allele origin: germline. Affected: yes.
Comment: This variant is considered likely benign or benign based on one or more of the following criteria: it is a conservative change, it occurs at a poorly conserved position in the protein, it is predicted to be benign by multiple in silico algorithms, and/or has population frequency not consistent with disease.

Mayo Clinic Laboratories, Mayo Clinic
Classification: Benign. Last evaluated: 2016-02-22. Review status: no assertion criteria provided. Collection method: clinical testing. Allele origin: unknown. Not counted in ClinVar's aggregate classification.